The following is an entry in ClinVar:

NM_001267550.2(TTN):c.95549del (p.Lys31850fs)

Genes: TTN (titin; minus strand), TTN-AS1 (TTN antisense RNA 1; plus strand). Cytogenetic location: 2q31.2.
Variant type: Deletion.
Coding change: c.95549del on transcript NM_001267550.2 (MANE Select); coding-DNA position 95549, one base deleted (A; older notation c.95549delA).
Protein change: p.Lys31850fs; shifts the reading frame from lysine 31850.
Molecular consequence: frameshift variant.
Genome position (GRCh38, 1-based): chr2:178,545,561, T deleted on the plus strand (A on the coding strand, the reverse complement: TTN is on the minus strand); the first of 2 consecutive T bases (chr2:178,545,561-178,545,562); deleting either gives the same sequence. VCF-style (leftmost placement, unchanged base first): chr2-178545560-CT-C. GRCh37 (hg19) VCF-style: chr2-179410287-CT-C.
Other names: c.90626del, p.Lys30209fs (NM_001256850.1); c.68354del, p.Lys22785fs (NM_003319.4); c.87845del, p.Lys29282fs (NM_133378.4); c.68729del, p.Lys22910fs (NM_133432.3); c.68930del, p.Lys22977fs (NM_133437.4); c.90626delA (NM_001256850.1); short protein forms K29282fs, K22785fs, K22910fs, K22977fs, K30209fs, K31850fs.
Identifiers: ClinVar variation 421846 (VCV000421846.2), dbSNP rs1064795399, ClinGen allele CA16617333.
Genomic context (GRCh38, chr2:178,545,560, plus strand): 5'-CACCTTCAGCCTGGTATCATACACCACATAGTCTTTGTTGACACGTGTCCAGCGCAGGCT[CT>C]TCTTCTCACGTTTGTCTACTAGGTAGTTGCTGATTTCATTGCCACCATCAGATTCAGGTT-3'

ClinVar aggregate classification (germline): Likely pathogenic (1 of 4 stars; one submission).

Submission:

GeneDx
Classification: Likely pathogenic. Last evaluated: 2016-07-26. Review status: criteria provided, single submitter. Criteria: GeneDx Variant Classification (06012015). Collection method: clinical testing. Allele origin: germline. Affected: yes.
Comment: The c.90626delA variant in the TTN gene has not been reported previously as a pathogenic variant or as a benign variant, to our knowledge. This variant causes a shift in reading frame starting at codon Lysine 30209, changing it to an Arginine, and creating a premature stop codon at position 19 of the new reading frame, denoted p.Lys30209ArgfsX19. This variant is expected to result in either an abnormal, truncated protein product or loss of protein from this allele through nonsense-mediated mRNA decay. Other truncating TTN variants have been reported in approximately 3% of control alleles (Herman et al., 2012). However, c.90626delA is located in the A-band region of titin, where the majority of truncating pathogenic variants associated with dilated cardiomyopathy (DCM) have been reported (Herman et al., 2012). Other frameshift variants in the TTN gene have been reported in HGMD in association with DCM (Stenson et al., 2014). Furthermore, c.90626delA was not observed in approximately 6,200 individuals of European and African American ancestry in the NHLBI Exome Sequencing Project, indicating it is not a common benign variant in these populations.In summary, c.90626delA in the TTN gene is expected to be pathogenic, as loss of function variants in this gene are strongly associated with this phenotype.